The following is an entry in ClinVar:

ClinVar aggregate classification (germline): Pathogenic. Review status: criteria provided, multiple submitters, no conflicts (2 of 4 stars). 2 submissions from 2 submitters: Pathogenic (2). Last evaluated 2023-08-15.

Conditions:
Tuberous sclerosis 1 (TSC1). Identifiers: Orphanet 805, MedGen C1854465, MONDO:0008612, OMIM 191100.

Submissions (2):

Myriad Genetics, Inc.
Classification: Pathogenic for Tuberous sclerosis 1. Last evaluated: 2023-08-15. Review status: criteria provided, single submitter. Criteria: Myriad Autosomal Dominant, Autosomal Recessive and X-Linked Classification Criteria (2023). Collection method: clinical testing. Allele origin: unknown.
Comment: This variant is considered pathogenic. This variant creates a termination codon and is predicted to result in premature protein truncation.

Labcorp Genetics (formerly Invitae), Labcorp
Classification: Pathogenic for Tuberous sclerosis 1. Last evaluated: 2018-06-12. Review status: criteria provided, single submitter. Criteria: Invitae Variant Classification Sherloc (09022015). Collection method: clinical testing. Allele origin: germline.
Comment: This sequence change creates a premature translational stop signal (p.Gln830*) in the TSC1 gene. It is expected to result in an absent or disrupted protein product. This variant is not present in population databases (ExAC no frequency). This variant has not been reported in the literature in individuals with TSC1-related disease. Loss-of-function variants in TSC1 are known to be pathogenic (PMID: 10227394, 17304050). For these reasons, this variant has been classified as Pathogenic.

NM_000368.5(TSC1):c.2488C>T (p.Gln830Ter)

Gene: TSC1 (TSC complex subunit 1; minus strand). Cytogenetic location: 9q34.13.
Variant type: single nucleotide variant.
Coding change: c.2488C>T on transcript NM_000368.5 (MANE Select); coding-DNA position 2488, C replaced by T.
Protein change: p.Gln830Ter; replaces glutamine 830 with a stop codon.
Molecular consequence: nonsense.
Genome position (GRCh38, 1-based): chr9:132,901,603, G>A on the plus strand (C>T on the coding strand, the complement: TSC1 is on the minus strand). VCF-style: chr9-132901603-G-A. GRCh37 (hg19) VCF-style: chr9-135776990-G-A.
Other names: c.2485C>T, p.Gln829Ter (NM_001162426.2); c.2335C>T, p.Gln779Ter (NM_001162427.2); c.2125C>T, p.Gln709Ter (NM_001362177.2); short protein forms Q830*, Q709*, Q779*, Q829*.
Identifiers: ClinVar variation 569006 (VCV000569006.2), dbSNP rs1564475884, ClinGen allele CA375358269.